The following is an entry in ClinVar:

NM_016204.4(GDF2):c.358A>G (p.Ile120Val)

Gene: GDF2 (growth differentiation factor 2; plus strand). Cytogenetic location: 10q11.22.
Variant type: single nucleotide variant.
Coding change: c.358A>G on transcript NM_016204.4 (MANE Select); coding-DNA position 358, A replaced by G.
Protein change: p.Ile120Val; replaces isoleucine 120 with valine.
Molecular consequence: missense variant.
Genome position (GRCh38, 1-based): chr10:47,324,852, A>G. VCF-style: chr10-47324852-A-G. GRCh37 (hg19) VCF-style: chr10-48414510-T-C.
Other names: p.Ile120Val; c.358A>G (NM_016204.1); short protein forms I120V.
Identifiers: ClinVar variation 3350727 (VCV003350727.5).
Genomic context (GRCh38, chr10:47,324,852, plus strand): 5'-TGGAAACAGACCCTCCAGCAGATGCCCACCACGTGTGTTTGCATTTCAGATGCCATCTCC[A>G]TAACTGCCACAGAGGACTTCCCCTTCCAGAAGCACATCTTGCTCTTCAACATCTCCATTC-3'
Protein context (NP_057288.1, residues 110-130): RSFSMEDAIS[Ile120Val]TATEDFPFQK

ClinVar aggregate classification (germline): Conflicting classifications of pathogenicity. Review status: criteria provided, conflicting classifications (1 of 4 stars). 5 submissions from 5 submitters: Uncertain significance (3); Likely benign (1). 1 of the submissions does not count toward it. Last evaluated 2026-01-02.

Conditions:
Telangiectasia, hereditary hemorrhagic, type 5 (HHT5). Identifiers: Orphanet 774, MedGen C3809710, MONDO:0014217, OMIM 615506.
GDF2-related disorder. Also called: GDF2-related condition.
Cardiovascular phenotype. Identifiers: MedGen CN230736.

gnomAD v4.1: 90 of 1,611,766 alleles (0.0056%); highest among the groups gnomAD compares: Non-Finnish European, 0.0074%; no homozygotes.

Submissions (5):

Ambry Genetics
Classification: Likely benign for Cardiovascular phenotype. Last evaluated: 2026-01-02. Review status: criteria provided, single submitter. Criteria: Ambry Variant Classification Scheme 2023. Collection method: clinical testing. Allele origin: germline.

ARUP Laboratories, Molecular Genetics and Genomics, ARUP Laboratories
Classification: Uncertain significance for Telangiectasia, hereditary hemorrhagic, type 5. Last evaluated: 2025-04-16. Review status: criteria provided, single submitter. Criteria: ARUP Molecular Germline Variant Investigation Process 2024. Collection method: clinical testing. Allele origin: germline.
Comment: The GDF2 c.358A>G; p.Ile120Val variant (rs376861987), to our knowledge, is not reported in the medical literature but is reported in ClinVar (3350727). This variant is found in the general population with an overall allele frequency of 0.0012% (3/248694 alleles) in the Genome Aggregation Database (v2.1.1). Computational analyses predict that this variant is neutral (REVEL: 0.055). Due to limited information, the clinical significance of the GDF2 variant is uncertain at this time.

Mayo Clinic Laboratories, Mayo Clinic
Classification: Uncertain significance. Last evaluated: 2025-02-20. Review status: criteria provided, single submitter. Criteria: ACMG Guidelines, 2015. Collection method: clinical testing. Allele origin: germline. Observed: 1 variant allele.
Comment: BP4

Labcorp Genetics (formerly Invitae), Labcorp
Classification: Uncertain significance for Telangiectasia, hereditary hemorrhagic, type 5. Last evaluated: 2024-08-07. Review status: criteria provided, single submitter. Criteria: Invitae Variant Classification Sherloc (09022015). Collection method: clinical testing. Allele origin: germline.
Comment: This sequence change replaces isoleucine, which is neutral and non-polar, with valine, which is neutral and non-polar, at codon 120 of the GDF2 protein (p.Ile120Val). This variant is present in population databases (rs376861987, gnomAD 0.007%). This variant has not been reported in the literature in individuals affected with GDF2-related conditions. An algorithm developed to predict the effect of missense changes on protein structure and function outputs the following: PolyPhen-2: "Benign". The valine amino acid residue is found in multiple mammalian species, which suggests that this missense change does not adversely affect protein function. In summary, the available evidence is currently insufficient to determine the role of this variant in disease. Therefore, it has been classified as a Variant of Uncertain Significance.

PreventionGenetics, part of Exact Sciences
Classification: Uncertain significance for GDF2-related condition. Last evaluated: 2024-05-15. Review status: no assertion criteria provided. Collection method: clinical testing. Allele origin: germline. Not counted in ClinVar's aggregate classification.
Comment: The GDF2 c.358A>G variant is predicted to result in the amino acid substitution p.Ile120Val. To our knowledge, this variant has not been reported in the literature. This variant is reported in 0.0063% of alleles in individuals of African descent in gnomAD. At this time, the clinical significance of this variant is uncertain due to the absence of conclusive functional and genetic evidence.